The following is an entry in ClinVar:

ClinVar aggregate classification (germline): Uncertain significance (1 of 4 stars; one submission).

gnomAD v4.1: 1 of 1,607,780 alleles (0.000062%); highest among the groups gnomAD compares: South Asian, 0.0011%; no homozygotes.

Submission:

Ambry Genetics
Classification: Uncertain significance. Last evaluated: 2025-12-11. Review status: criteria provided, single submitter. Criteria: Ambry Variant Classification Scheme 2023. Collection method: clinical testing. Allele origin: germline.
Comment: The p.R429G variant (also known as c.1285A>G), located in coding exon 2 of the CDK12 gene, results from an A to G substitution at nucleotide position 1285. The arginine at codon 429 is replaced by glycine, an amino acid with dissimilar properties. This amino acid position is conserved. In addition, this alteration is predicted to be tolerated by in silico analysis. Based on the available evidence, the clinical significance of this variant remains unclear.

NM_016507.4(CDK12):c.1285A>G (p.Arg429Gly)

Gene: CDK12 (cyclin dependent kinase 12; plus strand). Cytogenetic location: 17q12.
Variant type: single nucleotide variant.
Coding change: c.1285A>G on transcript NM_016507.4 (MANE Select); coding-DNA position 1285, A replaced by G.
Protein change: p.Arg429Gly; replaces arginine 429 with glycine.
Molecular consequence: missense variant.
Genome position (GRCh38, 1-based): chr17:39,471,117, A>G. VCF-style: chr17-39471117-A-G. GRCh37 (hg19) VCF-style: chr17-37627370-A-G.
Other names: c.1285A>G, p.Arg429Gly (NM_015083.4); short protein forms R429G.
Identifiers: ClinVar variation 4651491 (VCV004651491.1).